The following is an entry in ClinVar:

NM_006445.4(PRPF8):c.6289A>G (p.Ile2097Val)

Gene: PRPF8 (pre-mRNA processing factor 8; minus strand). Cytogenetic location: 17p13.3.
Variant type: single nucleotide variant.
Coding change: c.6289A>G on transcript NM_006445.4 (MANE Select); coding-DNA position 6289, A replaced by G.
Protein change: p.Ile2097Val; replaces isoleucine 2097 with valine.
Molecular consequence: missense variant.
Genome position (GRCh38, 1-based): chr17:1,653,622, T>C on the plus strand (A>G on the coding strand, the complement: PRPF8 is on the minus strand). VCF-style: chr17-1653622-T-C. GRCh37 (hg19) VCF-style: chr17-1556916-T-C.
Other names: short protein forms I2097V.
Identifiers: ClinVar variation 1516320 (VCV001516320.8), dbSNP rs2151111193, ClinGen allele CA397566672.

ClinVar aggregate classification (germline): Uncertain significance (1 of 4 stars; one submission).

gnomAD v4.1: 4 of 1,614,208 alleles (0.00025%); highest among the groups gnomAD compares: Non-Finnish European, 0.00034%; no homozygotes.

Submission:

Labcorp Genetics (formerly Invitae), Labcorp
Classification: Uncertain significance. Last evaluated: 2022-02-24. Review status: criteria provided, single submitter. Criteria: Invitae Variant Classification Sherloc (09022015). Collection method: clinical testing. Allele origin: germline.
Comment: Algorithms developed to predict the effect of missense changes on protein structure and function (SIFT, PolyPhen-2, Align-GVGD) all suggest that this variant is likely to be tolerated. This missense change has been observed in individual(s) with clinical features of retinitis pigmentosa (Invitae). This variant is not present in population databases (gnomAD no frequency). This sequence change replaces isoleucine, which is neutral and non-polar, with valine, which is neutral and non-polar, at codon 2097 of the PRPF8 protein (p.Ile2097Val). In summary, the available evidence is currently insufficient to determine the role of this variant in disease. Therefore, it has been classified as a Variant of Uncertain Significance.